The following is an entry in ClinVar:

NM_001822.7(CHN1):c.177C>T (p.Ala59=)

Genes: CHN1 (chimerin 1; minus strand), LOC126806410 (MED14-independent group 3 enhancer GRCh37_chr2:175778728-175779927; plus strand). Cytogenetic location: 2q31.1.
Variant type: single nucleotide variant.
Coding change: c.177C>T on transcript NM_001822.7 (MANE Select); coding-DNA position 177, C replaced by T.
Protein change: p.Ala59=; no amino-acid change (alanine 59 retained).
Molecular consequence: synonymous variant. On other transcripts: non-coding transcript variant (1).
Genome position (GRCh38, 1-based): chr2:174,915,141, G>A on the plus strand (C>T on the coding strand, the complement: CHN1 is on the minus strand). VCF-style: chr2-174915141-G-A. GRCh37 (hg19) VCF-style: chr2-175779869-G-A.
Other names: c.177C>T, p.Ala59= (NM_001025201.4, NM_001371513.1); c.228C>T, p.Ala76= (NM_001371514.1).
Identifiers: ClinVar variation 892785 (VCV000892785.4), dbSNP rs771446302, ClinGen allele CA1975084.
Genomic context (GRCh38, chr2:174,915,141, plus strand): 5'-TGGCTGCCGCTGGCTCTCCCGGATGAGGTAGCTCCCCTCAGCCACAATCAAGAGCTGGTC[G>A]GCTGCTTCTCTGGAGATCATGCCATGAAACCTAAGAAACAAAGTCTATTCAGAAACTGTG-3'
Protein context (NP_001813.1, residues 49-69): EFHGMISREA[Ala59=]DQLLIVAEGS

ClinVar aggregate classification (germline): Uncertain significance (1 of 4 stars; one submission).

Conditions:
Duane retraction syndrome 2. Identifiers: Orphanet 233, MedGen C0751083, MONDO:0011444, OMIM 604356.

Allele frequency attached by ClinVar (database versions not stated): gnomAD exomes 0.00003; ExAC 0.00004; gnomAD 0.00004; TOPMed 0.00004.
gnomAD v4.1: 56 of 1,611,396 alleles (0.0035%); highest among the groups gnomAD compares: Non-Finnish European, 0.0045%; no homozygotes.

Submission:

Illumina Laboratory Services, Illumina
Classification: Uncertain significance for Duane retraction syndrome 2. Last evaluated: 2017-08-30. Review status: criteria provided, single submitter. Criteria: ICSL Variant Classification Criteria 13 December 2019. Collection method: clinical testing. Allele origin: germline.
Comment: This variant was observed as part of a predisposition screen in an ostensibly healthy population. A literature search was performed for the gene, cDNA change, and amino acid change (where applicable). Publications were found based on this search. However, the evidence from the literature, in combination with allele frequency data from public databases where available, was not sufficient to rule this variant in or out of causing disease. Therefore, this variant is classified as a variant of unknown significance.

Literature cited by the submitters: PubMed 20535495.